The following is an entry in ClinVar:

NM_000081.4(LYST):c.6187del (p.Arg2063fs)

Gene: LYST (lysosomal trafficking regulator; minus strand). Cytogenetic location: 1q42.3.
Variant type: Deletion.
Coding change: c.6187del on transcript NM_000081.4 (MANE Select); coding-DNA position 6187, one base deleted (A; older notation c.6187delA).
Protein change: p.Arg2063fs; shifts the reading frame from arginine 2063.
Molecular consequence: frameshift variant.
Genome position (GRCh38, 1-based): chr1:235,762,786, T deleted on the plus strand (A on the coding strand, the reverse complement: LYST is on the minus strand); the first of 2 consecutive T bases (chr1:235,762,786-235,762,787); deleting either gives the same sequence. VCF-style (leftmost placement, unchanged base first): chr1-235762785-CT-C. GRCh37 (hg19) VCF-style: chr1-235926085-CT-C.
Other names: c.6187del, p.Arg2063fs (NM_001301365.1); short protein forms R2063fs.
Identifiers: ClinVar variation 1453205 (VCV001453205.1), dbSNP rs2527844947, ClinGen allele CA2573132063.

ClinVar aggregate classification (germline): Pathogenic (1 of 4 stars; one submission).

Conditions:
Chédiak-Higashi syndrome (CHS). Also called: Chediak-Higashi Syndrome. Identifiers: Orphanet 167, MedGen C0007965, MONDO:0008963, OMIM 214500.

Submission:

Labcorp Genetics (formerly Invitae), Labcorp
Classification: Pathogenic for Chédiak-Higashi syndrome. Last evaluated: 2021-10-14. Review status: criteria provided, single submitter. Criteria: Invitae Variant Classification Sherloc (09022015). Collection method: clinical testing. Allele origin: germline.
Comment: This sequence change creates a premature translational stop signal (p.Arg2063Glyfs*4) in the LYST gene. It is expected to result in an absent or disrupted protein product. Loss-of-function variants in LYST are known to be pathogenic (PMID: 9215679, 11857544). This variant is not present in population databases (gnomAD no frequency). This variant has not been reported in the literature in individuals affected with LYST-related conditions. For these reasons, this variant has been classified as Pathogenic.

Literature cited by the submitters: PubMed 9215679; PubMed 11857544.